The following is an entry in ClinVar:

ClinVar aggregate classification (germline): Uncertain significance. Review status: criteria provided, multiple submitters, no conflicts (2 of 4 stars). 2 submissions from 2 submitters: Uncertain significance (2). Last evaluated 2025-06-10.

Conditions:
Hereditary cancer-predisposing syndrome. Also called: Neoplastic Syndromes, Hereditary; Tumor predisposition; Hereditary Cancer Syndrome; Hereditary neoplastic syndrome. Identifiers: Orphanet 140162, MedGen C0027672, MeSH D009386, MONDO:0015356.
EGFR-related lung cancer (EGFR). Identifiers: MedGen CN130014.

Allele frequency attached by ClinVar (database versions not stated): gnomAD exomes below 0.00001; TOPMed below 0.00001; gnomAD 0.00001.
gnomAD v4.1: 5 of 1,613,666 alleles (0.00031%); highest among the groups gnomAD compares: Non-Finnish European, 0.00025%; no homozygotes.

Submissions (2):

Ambry Genetics
Classification: Uncertain significance for Hereditary cancer-predisposing syndrome. Last evaluated: 2025-06-10. Review status: criteria provided, single submitter. Criteria: Ambry Variant Classification Scheme 2023. Collection method: clinical testing. Allele origin: germline.
Comment: The p.T241A variant (also known as c.721A>G), located in coding exon 6 of the EGFR gene, results from an A to G substitution at nucleotide position 721. The threonine at codon 241 is replaced by alanine, an amino acid with similar properties. This amino acid position is conserved. In addition, the in silico prediction for this alteration is inconclusive. Based on the available evidence, the clinical significance of this variant remains unclear.

Labcorp Genetics (formerly Invitae), Labcorp
Classification: Uncertain significance for EGFR-related lung cancer. Last evaluated: 2020-01-02. Review status: criteria provided, single submitter. Criteria: Invitae Variant Classification Sherloc (09022015). Collection method: clinical testing. Allele origin: germline.
Comment: This sequence change replaces threonine with alanine at codon 241 of the EGFR protein (p.Thr241Ala). The threonine residue is highly conserved and there is a small physicochemical difference between threonine and alanine. This variant is not present in population databases (ExAC no frequency). This variant has not been reported in the literature in individuals with EGFR-related conditions. Algorithms developed to predict the effect of missense changes on protein structure and function (SIFT, PolyPhen-2, Align-GVGD) all suggest that this variant is likely to be disruptive, but these predictions have not been confirmed by published functional studies and their clinical significance is uncertain. In summary, the available evidence is currently insufficient to determine the role of this variant in disease. Therefore, it has been classified as a Variant of Uncertain Significance.

NM_005228.5(EGFR):c.721A>G (p.Thr241Ala)

Gene: EGFR (epidermal growth factor receptor; plus strand). Cytogenetic location: 7p11.2.
Variant type: single nucleotide variant.
Coding change: c.721A>G on transcript NM_005228.5 (MANE Select); coding-DNA position 721, A replaced by G.
Protein change: p.Thr241Ala; replaces threonine 241 with alanine.
Molecular consequence: missense variant. On other transcripts: intron variant (1).
Genome position (GRCh38, 1-based): chr7:55,152,638, A>G. VCF-style: chr7-55152638-A-G. GRCh37 (hg19) VCF-style: chr7-55220331-A-G.
Other names: c.721A>G (NM_005228.3); c.586A>G, p.Thr196Ala (NM_001346897.2, NM_001346899.2); c.721A>G, p.Thr241Ala (NM_001346898.2, NM_201282.2, NM_201283.2 and 1 more transcripts); c.562A>G, p.Thr188Ala (NM_001346900.2); c.89-3192A>G (NM_001346941.2); short protein forms T188A, T196A, T241A.
Identifiers: ClinVar variation 1002562 (VCV001002562.9), dbSNP rs1785216035, ClinGen allele CA367577520.